The following is an entry in ClinVar:

ClinVar aggregate classification (germline): Uncertain significance (1 of 4 stars; one submission).

Conditions:
Pyridoxal phosphate-responsive seizures (PNPOD). Also called: Pyridoxine-5'-phosphate oxidase deficiency; Pyridoxal 5'-Phosphate (PLP)-Dependent Epilepsy; EPILEPTIC ENCEPHALOPATHY, NEONATAL, PNPO-RELATED; SEIZURES, PYRIDOXINE-RESISTANT, PLP-SENSITIVE; Pyridoxamine 5-Prime-Phosphate Oxidase Deficiency. Identifiers: Orphanet 79096, MedGen C1864723, MONDO:0012407, OMIM 610090. Disease mechanism: loss of function.

gnomAD v4.1: 1 of 1,538,956 alleles (0.000065%); highest among the groups gnomAD compares: Non-Finnish European, 0.000088%; no homozygotes.

Submission:

Labcorp Genetics (formerly Invitae), Labcorp
Classification: Uncertain significance for Pyridoxal phosphate-responsive seizures. Last evaluated: 2022-01-11. Review status: criteria provided, single submitter. Criteria: Invitae Variant Classification Sherloc (09022015). Collection method: clinical testing. Allele origin: germline.
Comment: In summary, the available evidence is currently insufficient to determine the role of this variant in disease. Therefore, it has been classified as a Variant of Uncertain Significance. Algorithms developed to predict the effect of missense changes on protein structure and function are either unavailable or do not agree on the potential impact of this missense change (SIFT: "Deleterious"; PolyPhen-2: "Benign"; Align-GVGD: "Class C0"). This variant has not been reported in the literature in individuals affected with PNPO-related conditions. This variant is not present in population databases (gnomAD no frequency). This sequence change replaces arginine, which is basic and polar, with tryptophan, which is neutral and slightly polar, at codon 6 of the PNPO protein (p.Arg6Trp).

NM_018129.4(PNPO):c.16C>T (p.Arg6Trp)

Gene: PNPO (pyridoxamine 5'-phosphate oxidase; plus strand). Cytogenetic location: 17q21.32.
Variant type: single nucleotide variant.
Coding change: c.16C>T on transcript NM_018129.4 (MANE Select); coding-DNA position 16, C replaced by T.
Protein change: p.Arg6Trp; replaces arginine 6 with tryptophan.
Molecular consequence: missense variant.
Genome position (GRCh38, 1-based): chr17:47,941,691, C>T. VCF-style: chr17-47941691-C-T. GRCh37 (hg19) VCF-style: chr17-46019057-C-T.
Other names: short protein forms R6W.
Identifiers: ClinVar variation 1395577 (VCV001395577.6), dbSNP rs765997859, ClinGen allele CA400054628.